The following is an entry in ClinVar:

NM_013247.5(HTRA2):c.1182T>C (p.His394=)

Genes: HTRA2 (HtrA serine peptidase 2; plus strand), LOXL3 (lysyl oxidase like 3; minus strand). Cytogenetic location: 2p13.1.
Variant type: single nucleotide variant.
Coding change: c.1182T>C on transcript NM_013247.5 (MANE Select); coding-DNA position 1182, T replaced by C.
Protein change: p.His394=; no amino-acid change (histidine 394 retained).
Molecular consequence: synonymous variant. On other transcripts: non-coding transcript variant (4), 3 prime UTR variant (3), intron variant (3).
Genome position (GRCh38, 1-based): chr2:74,532,685, T>C. VCF-style: chr2-74532685-T-C. GRCh37 (hg19) VCF-style: chr2-74759812-T-C.
Other names: c.*921A>G (NM_001289164.3, NM_001289165.2, NM_032603.5); c.1146-135T>C (NM_001321727.1); c.1116-135T>C (NM_001321728.1); c.921-135T>C (NM_145074.2).
Identifiers: ClinVar variation 3032948 (VCV003032948.2), dbSNP rs2529905731, ClinGen allele CA426837339.

ClinVar aggregate classification (germline): Likely benign (0 of 4 stars; one submission).

Conditions:
HTRA2-related disorder. Also called: HTRA2-related condition.

Allele frequency attached by ClinVar (database versions not stated): gnomAD exomes 0.00001.
gnomAD v4.1: 8 of 1,613,914 alleles (0.0005%); highest among the groups gnomAD compares: Middle Eastern, 0.12%; no homozygotes.

Submission:

PreventionGenetics, part of Exact Sciences
Classification: Likely benign for HTRA2-related condition. Last evaluated: 2022-11-14. Review status: no assertion criteria provided. Collection method: clinical testing. Allele origin: germline.
Comment: This variant is classified as likely benign based on ACMG/AMP sequence variant interpretation guidelines (Richards et al. 2015 PMID: 25741868, with internal and published modifications).